The following is an entry in ClinVar:

NM_000138.5(FBN1):c.7797C>G (p.His2599Gln)

Gene: FBN1 (fibrillin 1; minus strand). Cytogenetic location: 15q21.1.
Variant type: single nucleotide variant.
Coding change: c.7797C>G on transcript NM_000138.5 (MANE Select); coding-DNA position 7797, C replaced by G.
Protein change: p.His2599Gln; replaces histidine 2599 with glutamine.
Molecular consequence: missense variant.
Genome position (GRCh38, 1-based): chr15:48,420,709, G>C on the plus strand (C>G on the coding strand, the complement: FBN1 is on the minus strand). VCF-style: chr15-48420709-G-C. GRCh37 (hg19) VCF-style: chr15-48712906-G-C.
Other names: c.7797C>G, p.His2599Gln (NM_001406716.1); short protein forms H2599Q.
Identifiers: ClinVar variation 3072260 (VCV003072260.1), dbSNP rs1459178505, ClinGen allele CA392324500.

ClinVar aggregate classification (germline): Uncertain significance (1 of 4 stars; one submission).

Conditions:
Marfan syndrome (MFS). Also called: MARFAN SYNDROME, TYPE I; Marfan syndrome type 1; Marfan's syndrome; Marfan syndrome, classic; FBN1-Related Marfan Syndrome. Identifiers: Orphanet 284963, Orphanet 558, MedGen C0024796, MONDO:0007947, OMIM 154700.

Submission:

All of Us Research Program, National Institutes of Health
Classification: Uncertain significance for Marfan syndrome. Last evaluated: 2023-06-26. Review status: criteria provided, single submitter. Criteria: ACMG Guidelines, 2015. Collection method: clinical testing. Allele origin: germline. Inheritance: Autosomal dominant inheritance. Observed: 1 variant allele, 1 heterozygote.
Comment: This missense variant replaces histidine with glutamine at codon 2599 of the FBN1 protein. Computational prediction is inconclusive regarding the impact of this variant on protein structure and function (internally defined REVEL score threshold 0.5 < inconclusive < 0.7, PMID: 27666373). To our knowledge, functional studies have not been reported for this variant. This variant has not been reported in individuals affected with FBN1-related disorders in the literature. This variant has not been identified in the general population by the Genome Aggregation Database (gnomAD). The available evidence is insufficient to determine the role of this variant in disease conclusively. Therefore, this variant is classified as a Variant of Uncertain Significance.

This study involves interpretation of variants in research participants for the purpose of population health screening. Participant phenotype was not available at the time of variant classification. Additional details can be found in publication PMID: 35346344, PMCID: PMC8962531